The following is an entry in ClinVar:

NM_001031689.3(PLAA):c.1537G>A (p.Gly513Arg)

Gene: PLAA (phospholipase A2 activating protein; minus strand). Cytogenetic location: 9p21.2.
Variant type: single nucleotide variant.
Coding change: c.1537G>A on transcript NM_001031689.3 (MANE Select); coding-DNA position 1537, G replaced by A.
Protein change: p.Gly513Arg; replaces glycine 513 with arginine.
Molecular consequence: missense variant.
Genome position (GRCh38, 1-based): chr9:26,913,897, C>T on the plus strand (G>A on the coding strand, the complement: PLAA is on the minus strand). VCF-style: chr9-26913897-C-T. GRCh37 (hg19) VCF-style: chr9-26913895-C-T.
Other names: c.1468G>A, p.Gly490Arg (NM_001321546.2); c.1537G>A (NM_001031689.2); short protein forms G490R, G513R.
Identifiers: ClinVar variation 1381426 (VCV001381426.6), dbSNP rs139288553, ClinGen allele CA5014317.

ClinVar aggregate classification (germline): Uncertain significance. Review status: criteria provided, multiple submitters, no conflicts (2 of 4 stars). 2 submissions from 2 submitters: Uncertain significance (2). Last evaluated 2025-01-08.

Conditions:
Inborn genetic diseases. Identifiers: MedGen C0950123, MeSH D030342.

Allele frequency attached by ClinVar (database versions not stated): gnomAD 0.00009; ESP Exome Variant Server 0.00015; gnomAD exomes 0.00002 and 0.00005; ExAC 0.00004; TOPMed 0.00005.
gnomAD v4.1: 36 of 1,610,588 alleles (0.0022%); highest among the groups gnomAD compares: Middle Eastern, 0.016%; no homozygotes.

Submissions (2):

Ambry Genetics
Classification: Uncertain significance for Inborn genetic diseases. Last evaluated: 2025-01-08. Review status: criteria provided, single submitter. Criteria: Ambry Variant Classification Scheme 2023. Collection method: clinical testing. Allele origin: germline.

Labcorp Genetics (formerly Invitae), Labcorp
Classification: Uncertain significance. Last evaluated: 2022-01-18. Review status: criteria provided, single submitter. Criteria: Invitae Variant Classification Sherloc (09022015). Collection method: clinical testing. Allele origin: germline.
Comment: This sequence change replaces glycine, which is neutral and non-polar, with arginine, which is basic and polar, at codon 513 of the PLAA protein (p.Gly513Arg). This variant is present in population databases (rs139288553, gnomAD 0.03%). This variant has not been reported in the literature in individuals affected with PLAA-related conditions. Algorithms developed to predict the effect of missense changes on protein structure and function are either unavailable or do not agree on the potential impact of this missense change (SIFT: "Deleterious"; PolyPhen-2: "Benign"; Align-GVGD: "Class C0"). In summary, the available evidence is currently insufficient to determine the role of this variant in disease. Therefore, it has been classified as a Variant of Uncertain Significance.